The following is an entry in ClinVar:

NM_024854.5(PYROXD1):c.475G>T (p.Ala159Ser)

Gene: PYROXD1 (pyridine nucleotide-disulphide oxidoreductase domain 1; plus strand). Cytogenetic location: 12p12.1.
Variant type: single nucleotide variant.
Coding change: c.475G>T on transcript NM_024854.5 (MANE Select); coding-DNA position 475, G replaced by T.
Protein change: p.Ala159Ser; replaces alanine 159 with serine.
Molecular consequence: missense variant. On other transcripts: intron variant (1).
Genome position (GRCh38, 1-based): chr12:21,452,141, G>T. VCF-style: chr12-21452141-G-T. GRCh37 (hg19) VCF-style: chr12-21605075-G-T.
Other names: c.262G>T, p.Ala88Ser (NM_001350912.2); c.-290+2450G>T (NM_001350913.2); short protein forms A159S, A88S.
Identifiers: ClinVar variation 1439596 (VCV001439596.8), dbSNP rs914840892, ClinGen allele CA233544845.
Genomic context (GRCh38, chr12:21,452,141, plus strand): 5'-GAATTTCAGAAACAGCTTACTAAAGCTAAAAGAATAATGATCATAGGGAACGGTGGTATT[G>T]CACTTGAGTTAGTGTAAGTATATATTTTTAAATATGATAACATTTAAATTGTTTAAAAAT-3'
Protein context (NP_079130.2, residues 149-169): RIMIIGNGGI[Ala159Ser]LELVYEIEGC

ClinVar aggregate classification (germline): Uncertain significance (1 of 4 stars; one submission).

Allele frequency attached by ClinVar (database versions not stated): gnomAD exomes below 0.00001; gnomAD 0.00001.
gnomAD v4.1: 4 of 1,571,544 alleles (0.00025%); highest among the groups gnomAD compares: Middle Eastern, 0.018%; no homozygotes.

Submission:

Labcorp Genetics (formerly Invitae), Labcorp
Classification: Uncertain significance. Last evaluated: 2021-07-27. Review status: criteria provided, single submitter. Criteria: Invitae Variant Classification Sherloc (09022015). Collection method: clinical testing. Allele origin: germline.
Comment: This sequence change replaces alanine with serine at codon 159 of the PYROXD1 protein (p.Ala159Ser). The alanine residue is highly conserved and there is a moderate physicochemical difference between alanine and serine. This variant is not present in population databases (ExAC no frequency). This variant has not been reported in the literature in individuals affected with PYROXD1-related conditions. Algorithms developed to predict the effect of missense changes on protein structure and function are either unavailable or do not agree on the potential impact of this missense change (SIFT: "Deleterious"; PolyPhen-2: "Probably Damaging"; Align-GVGD: "Class C0"). In summary, the available evidence is currently insufficient to determine the role of this variant in disease. Therefore, it has been classified as a Variant of Uncertain Significance.